The following is an entry in ClinVar:

NM_006767.4(LZTR1):c.2339C>A (p.Ala780Asp)

Gene: LZTR1 (leucine zipper like post translational regulator 1; plus strand). Cytogenetic location: 22q11.21.
Variant type: single nucleotide variant.
Coding change: c.2339C>A on transcript NM_006767.4 (MANE Select); coding-DNA position 2339, C replaced by A.
Protein change: p.Ala780Asp; replaces alanine 780 with aspartic acid.
Molecular consequence: missense variant.
Genome position (GRCh38, 1-based): chr22:20,996,899, C>A. VCF-style: chr22-20996899-C-A. GRCh37 (hg19) VCF-style: chr22-21351188-C-A.
Other names: short protein forms A780D.
Identifiers: ClinVar variation 4804565 (VCV004804565.1).

ClinVar aggregate classification (germline): Uncertain significance (1 of 4 stars; one submission).

Submission:

Labcorp Genetics (formerly Invitae), Labcorp
Classification: Uncertain significance. Last evaluated: 2025-03-05. Review status: criteria provided, single submitter. Criteria: Invitae Variant Classification Sherloc (09022015). Collection method: clinical testing. Allele origin: germline.
Comment: This sequence change replaces alanine, which is neutral and non-polar, with aspartic acid, which is acidic and polar, at codon 780 of the LZTR1 protein (p.Ala780Asp). This variant is not present in population databases (gnomAD no frequency). This variant has not been reported in the literature in individuals affected with LZTR1-related conditions. Invitae Evidence Modeling of protein sequence and biophysical properties (such as structural, functional, and spatial information, amino acid conservation, physicochemical variation, residue mobility, and thermodynamic stability) indicates that this missense variant is not expected to disrupt LZTR1 protein function with a negative predictive value of 80%. In summary, the available evidence is currently insufficient to determine the role of this variant in disease. Therefore, it has been classified as a Variant of Uncertain Significance.